The following is an entry in ClinVar:

ClinVar aggregate classification (germline): Uncertain significance (1 of 4 stars; one submission).

Conditions:
Ehlers-Danlos syndrome, dermatosparaxis type. Also called: Dermatosparaxis; EDS VIIC; Ehlers-Danlos syndrome, type VII, autosomal recessive. Identifiers: Orphanet 1901, MedGen C2700425, MONDO:0009161, OMIM 225410.

Submission:

Labcorp Genetics (formerly Invitae), Labcorp
Classification: Uncertain significance for Ehlers-Danlos syndrome, dermatosparaxis type. Last evaluated: 2022-01-12. Review status: criteria provided, single submitter. Criteria: Invitae Variant Classification Sherloc (09022015). Collection method: clinical testing. Allele origin: germline.
Comment: This variant is not present in population databases (gnomAD no frequency). In summary, the available evidence is currently insufficient to determine the role of this variant in disease. Therefore, it has been classified as a Variant of Uncertain Significance. Algorithms developed to predict the effect of missense changes on protein structure and function are either unavailable or do not agree on the potential impact of this missense change (SIFT: "Deleterious"; PolyPhen-2: "Possibly Damaging"; Align-GVGD: "Class C0"). This variant has not been reported in the literature in individuals affected with ADAMTS2-related conditions. This sequence change replaces arginine, which is basic and polar, with glycine, which is neutral and non-polar, at codon 213 of the ADAMTS2 protein (p.Arg213Gly).

NM_014244.5(ADAMTS2):c.637C>G (p.Arg213Gly)

Gene: ADAMTS2 (ADAM metallopeptidase with thrombospondin type 1 motif 2; minus strand). Cytogenetic location: 5q35.3.
Variant type: single nucleotide variant.
Coding change: c.637C>G on transcript NM_014244.5 (MANE Select); coding-DNA position 637, C replaced by G.
Protein change: p.Arg213Gly; replaces arginine 213 with glycine.
Molecular consequence: missense variant.
Genome position (GRCh38, 1-based): chr5:179,272,962, G>C on the plus strand (C>G on the coding strand, the complement: ADAMTS2 is on the minus strand). VCF-style: chr5-179272962-G-C. GRCh37 (hg19) VCF-style: chr5-178699963-G-C.
Other names: c.637C>G, p.Arg213Gly (NM_021599.4); short protein forms R213G.
Identifiers: ClinVar variation 2127598 (VCV002127598.4), dbSNP rs762795219, ClinGen allele CA362426728.